The following is an entry in ClinVar:

ClinVar aggregate classification (germline): Benign (1 of 4 stars; one submission).

Conditions:
Breast-ovarian cancer, familial, susceptibility to, 2 (BROVCA2). Also called: BRCA2 Hereditary Breast and Ovarian Cancer. Identifiers: Orphanet 145, MedGen C2675520, MONDO:0012933, OMIM 612555. Disease mechanism: loss of function.

gnomAD v4.1: 13 of 1,493,512 alleles (0.00087%); highest among the groups gnomAD compares: African/African-American, 0.0098%; no homozygotes.

Submission:

Dipartimento Di Medicina Di Precisione, Università Degli Studi Della Campania Luigi Vanvitelli
Classification: Benign for Breast-ovarian cancer, familial, susceptibility to, 2. Last evaluated: 2025-07-18. Review status: criteria provided, single submitter. Criteria: ACMG Guidelines, 2015. Collection method: clinical testing. Allele origin: germline. Inheritance: Autosomal dominant inheritance. Affected: yes. Observed: 1 heterozygote.
Comment: This is a novel deep intronic variant located in intron 25 of BRCA2 (c.9649-74T>A). In silico splicing prediction tools do not indicate any impact on normal splicing. The variant is absent from population databases and has no reported association with disease. Based on current evidence and ACMG criteria, this variant is classified as benign.

Literature cited by the submitters: DOI 10.3390/ijms26135928.

NM_000059.4(BRCA2):c.9649-74T>A

Gene: BRCA2 (BRCA2 DNA repair associated; plus strand). Cytogenetic location: 13q13.1.
Variant type: single nucleotide variant.
Coding change: c.9649-74T>A on transcript NM_000059.4 (MANE Select); 74 bases into the intron before coding-DNA position 9649, T replaced by A.
Molecular consequence: intron variant.
Genome position (GRCh38, 1-based): chr13:32,398,088, T>A. VCF-style: chr13-32398088-T-A. GRCh37 (hg19) VCF-style: chr13-32972225-T-A.
Other names: c.9649-74T>A (NM_001432077.1); c.9598-74T>A (NM_001406720.1); c.9553-74T>A (NM_001406719.1); c.4717-74T>A (NM_001406721.1); c.3232-74T>A (NM_001406722.1).
Identifiers: ClinVar variation 4057262 (VCV004057262.1).
Genomic context (GRCh38, chr13:32,398,088, plus strand): 5'-CCTATTAGGAGTTAGGGGAGGGAGACTGTGTGTAATATTTGCGTGCTTAAATATTTTCAA[T>A]GAAAAGTTACTTTGATTTAGTTTTTTATGTTACTACATAATTATGATAGGCTACGTTTTC-3'